The following is an entry in ClinVar:

ClinVar aggregate classification (germline): Uncertain significance. Review status: criteria provided, multiple submitters, no conflicts (2 of 4 stars). 2 submissions from 2 submitters: Uncertain significance (2). Last evaluated 2025-01-02.

Conditions:
MHC class II deficiency. Also called: Bare lymphocyte syndrome 2; BLS, TYPE II. Identifiers: Orphanet 572, MedGen C5447452, MONDO:0008855.

gnomAD v4.1: 1 of 1,614,192 alleles (0.000062%); no homozygotes.

Submissions (2):

Labcorp Genetics (formerly Invitae), Labcorp
Classification: Uncertain significance for MHC class II deficiency. Last evaluated: 2025-01-02. Review status: criteria provided, single submitter. Criteria: Invitae Variant Classification Sherloc (09022015). Collection method: clinical testing. Allele origin: germline.
Comment: This sequence change replaces alanine, which is neutral and non-polar, with glycine, which is neutral and non-polar, at codon 922 of the CIITA protein (p.Ala922Gly). This variant is not present in population databases (gnomAD no frequency). This variant has not been reported in the literature in individuals affected with CIITA-related conditions. ClinVar contains an entry for this variant (Variation ID: 1810142). An algorithm developed to predict the effect of missense changes on protein structure and function (PolyPhen-2) suggests that this variant is likely to be disruptive. In summary, the available evidence is currently insufficient to determine the role of this variant in disease. Therefore, it has been classified as a Variant of Uncertain Significance.

GeneDx
Classification: Uncertain significance. Last evaluated: 2022-06-27. Review status: criteria provided, single submitter. Criteria: GeneDx Variant Classification Process June 2021. Collection method: clinical testing. Allele origin: germline. Affected: yes.
Comment: Not observed at significant frequency in large population cohorts (gnomAD); In silico analysis supports that this missense variant does not alter protein structure/function; In silico analysis, which includes splice predictors and evolutionary conservation, suggests this variant may impact gene splicing. In the absence of RNA/functional studies, the actual effect of this sequence change is unknown.; Has not been previously published as pathogenic or benign to our knowledge

NM_000246.4(CIITA):c.2765C>G (p.Ala922Gly)

Gene: CIITA (class II major histocompatibility complex transactivator; plus strand). Cytogenetic location: 16p13.13.
Variant type: single nucleotide variant.
Coding change: c.2765C>G on transcript NM_000246.4 (MANE Select); coding-DNA position 2765, C replaced by G.
Protein change: p.Ala922Gly; replaces alanine 922 with glycine.
Molecular consequence: missense variant.
Genome position (GRCh38, 1-based): chr16:10,909,136, C>G. VCF-style: chr16-10909136-C-G. GRCh37 (hg19) VCF-style: chr16-11002993-C-G.
Other names: c.2618C>G, p.Ala873Gly (NM_001379331.1); c.2768C>G, p.Ala923Gly (NM_001379332.1, NM_001286402.1); c.2765C>G, p.Ala922Gly (NM_001379333.1); c.2696C>G, p.Ala899Gly (NM_001379334.1); c.1013C>G, p.Ala338Gly (NM_001286403.2); c.2621C>G, p.Ala874Gly (NM_001379330.1); short protein forms A338G, A873G, A874G, A899G, A922G, A923G.
Identifiers: ClinVar variation 1810142 (VCV001810142.2), dbSNP rs537794932, ClinGen allele CA394735006.